The following is an entry in ClinVar:

ClinVar aggregate classification (germline): Uncertain significance (1 of 4 stars; one submission).

Submission:

GeneDx
Classification: Uncertain significance. Last evaluated: 2025-04-14. Review status: criteria provided, single submitter. Criteria: GeneDx Variant Classification Process June 2021. Collection method: clinical testing. Allele origin: germline. Affected: yes.
Comment: Not observed at significant frequency in large population cohorts (gnomAD); In silico analysis supports that this missense variant has a deleterious effect on protein structure/function; Has not been previously published as pathogenic or benign to our knowledge; This variant is associated with the following publications: (PMID: 21224407)

NM_000545.8(HNF1A):c.1559A>C (p.Gln520Pro)

Gene: HNF1A (HNF1 homeobox A; plus strand). Cytogenetic location: 12q24.31.
Variant type: single nucleotide variant.
Coding change: c.1559A>C on transcript NM_000545.8 (MANE Select); coding-DNA position 1559, A replaced by C.
Protein change: p.Gln520Pro; replaces glutamine 520 with proline.
Molecular consequence: missense variant.
Genome position (GRCh38, 1-based): chr12:120,999,325, A>C. VCF-style: chr12-120999325-A-C. GRCh37 (hg19) VCF-style: chr12-121437128-A-C.
Other names: c.1559A>C, p.Gln520Pro (NM_001306179.2); c.1367A>C, p.Gln456Pro (NM_001406915.1); short protein forms Q456P, Q520P.
Identifiers: ClinVar variation 4282029 (VCV004282029.1).
Genomic context (GRCh38, chr12:120,999,325, plus strand): 5'-CAGCCCTCTACAGCCACAAGCCCGAGGTGGCCCAGTACACCCACACGGGCCTGCTCCCGC[A>C]GACTATGCTCATCACCGACACCACCAACCTGAGCGCCCTGGCCAGCCTCACGCCCACCAA-3'
Protein context (NP_000536.6, residues 510-530): AQYTHTGLLP[Gln520Pro]TMLITDTTNL